The following is an entry in ClinVar:

NM_024675.4(PALB2):c.1314_1315del (p.Gly439fs)

Gene: PALB2 (partner and localizer of BRCA2; minus strand). Cytogenetic location: 16p12.2.
Variant type: Deletion.
Coding change: c.1314_1315del on transcript NM_024675.4 (MANE Select); coding-DNA positions 1314 to 1315, 2 bases deleted (AG; older notation c.1314_1315delAG).
Protein change: p.Gly439fs; shifts the reading frame from glycine 439.
Molecular consequence: frameshift variant. On other transcripts: intron variant (3).
Genome position (GRCh38, 1-based): chr16:23,635,231-23,635,232, CT deleted on the plus strand (AG on the coding strand, the reverse complement: PALB2 is on the minus strand). VCF-style (leftmost placement, unchanged base first): chr16-23635230-CCT-C. GRCh37 (hg19) VCF-style: chr16-23646551-CCT-C.
Other names: c.1254_1255del, p.Gly419fs (NM_001407296.1); c.1314_1315del, p.Gly439fs (NM_001407297.1, NM_001407298.1, NM_001407299.1 and 3 more transcripts); c.429_430del, p.Gly144fs (NM_001407304.1, NM_001407305.1, NM_001407306.1 and 5 more transcripts); c.48+5878_48+5879del (NM_001407314.1); c.-104-4763_-104-4762del (NM_001407313.1, NM_001407312.1); short protein forms G144fs, G419fs, G439fs.
Identifiers: ClinVar variation 3413440 (VCV003413440.3).
Genomic context (GRCh38, chr16:23,635,230, plus strand): 5'-TCAGTTTCCTCATTGGAAAGGTTTAAATTTTTACTTGCATCCTTATTTTTATTTTTAAAC[CCT>C]TTTTTCTTGACATCCAAATGACTCTGAATGACAGCCTCCACGGCTACTTTCCTCTGGCAA-3'

ClinVar aggregate classification (germline): Pathogenic. Review status: criteria provided, multiple submitters, no conflicts (2 of 4 stars). 2 submissions from 2 submitters: Pathogenic (2). Last evaluated 2024-12-15.

Conditions:
Hereditary cancer-predisposing syndrome. Also called: Neoplastic Syndromes, Hereditary; Tumor predisposition; Hereditary Cancer Syndrome; Hereditary neoplastic syndrome. Identifiers: Orphanet 140162, MedGen C0027672, MeSH D009386, MONDO:0015356.
Familial cancer of breast. Also called: BREAST CANCER, FAMILIAL; Hereditary breast cancer; hereditary breast carcinoma. Identifiers: Orphanet 227535, MedGen C0346153, MONDO:0016419, OMIM 114480. Disease mechanism: loss of function.

Submissions (2):

Labcorp Genetics (formerly Invitae), Labcorp
Classification: Pathogenic for Familial cancer of breast. Last evaluated: 2024-12-15. Review status: criteria provided, single submitter. Criteria: Invitae Variant Classification Sherloc (09022015). Collection method: clinical testing. Allele origin: germline.
Comment: This sequence change creates a premature translational stop signal (p.Gly439Valfs*2) in the PALB2 gene. It is expected to result in an absent or disrupted protein product. Loss-of-function variants in PALB2 are known to be pathogenic (PMID: 17200668, 17200671, 17200672, 24136930, 25099575). This variant is not present in population databases (gnomAD no frequency). This variant has not been reported in the literature in individuals affected with PALB2-related conditions. For these reasons, this variant has been classified as Pathogenic.

Ambry Genetics
Classification: Pathogenic for Hereditary cancer-predisposing syndrome. Last evaluated: 2024-08-02. Review status: criteria provided, single submitter. Criteria: Ambry Variant Classification Scheme 2023. Collection method: clinical testing. Allele origin: germline.
Comment: The c.1314_1315delAG pathogenic mutation, located in coding exon 4 of the PALB2 gene, results from a deletion of two nucleotides at nucleotide positions 1314 to 1315, causing a translational frameshift with a predicted alternate stop codon (p.G439Vfs*2). This variant is considered to be rare based on population cohorts in the Genome Aggregation Database (gnomAD). This alteration is expected to result in loss of function by premature protein truncation or nonsense-mediated mRNA decay. As such, this alteration is interpreted as a disease-causing mutation.

Literature cited by the submitters: PubMed 17200668 (cited by Labcorp Genetics (formerly Invitae), Labcorp); PubMed 17200671 (cited by Labcorp Genetics (formerly Invitae), Labcorp); PubMed 17200672 (cited by Labcorp Genetics (formerly Invitae), Labcorp); PubMed 24136930 (cited by Labcorp Genetics (formerly Invitae), Labcorp); PubMed 25099575 (cited by Labcorp Genetics (formerly Invitae), Labcorp).